The following is an entry in ClinVar:

ClinVar aggregate classification (germline): Uncertain significance. Review status: criteria provided, multiple submitters, no conflicts (2 of 4 stars). 2 submissions from 2 submitters: Uncertain significance (2). Last evaluated 2022-07-12.

Conditions:
Charcot-Marie-Tooth disease type 4. Also called: Charcot-Marie-Tooth, Type 4; Charcot-Marie-Tooth disease, type IV. Identifiers: Orphanet 64749, MedGen C4082197, MONDO:0018995.
Inborn genetic diseases. Identifiers: MedGen C0950123, MeSH D030342.

Allele frequency attached by ClinVar (database versions not stated): gnomAD 0.00001 and 0.00003; gnomAD exomes 0.00001 and 0.00006; ExAC 0.00002; TOPMed 0.00004; ESP Exome Variant Server 0.00008.

Submissions (2):

Labcorp Genetics (formerly Invitae), Labcorp
Classification: Uncertain significance for Charcot-Marie-Tooth disease type 4. Last evaluated: 2022-07-12. Review status: criteria provided, single submitter. Criteria: Invitae Variant Classification Sherloc (09022015). Collection method: clinical testing. Allele origin: germline.
Comment: This sequence change replaces proline, which is neutral and non-polar, with leucine, which is neutral and non-polar, at codon 513 of the PRX protein (p.Pro513Leu). This variant is present in population databases (rs148742209, gnomAD 0.006%). This variant has not been reported in the literature in individuals affected with PRX-related conditions. ClinVar contains an entry for this variant (Variation ID: 570459). Algorithms developed to predict the effect of missense changes on protein structure and function are either unavailable or do not agree on the potential impact of this missense change (SIFT: "Deleterious"; PolyPhen-2: "Possibly Damaging"; Align-GVGD: "Class C0"). In summary, the available evidence is currently insufficient to determine the role of this variant in disease. Therefore, it has been classified as a Variant of Uncertain Significance.

Ambry Genetics
Classification: Uncertain significance for Inborn genetic diseases. Last evaluated: 2022-04-08. Review status: criteria provided, single submitter. Criteria: Ambry Variant Classification Scheme 2023. Collection method: clinical testing. Allele origin: germline.
Comment: The p.P513L variant (also known as c.1538C>T), located in coding exon 4 of the PRX gene, results from a C to T substitution at nucleotide position 1538. The proline at codon 513 is replaced by leucine, an amino acid with similar properties. This amino acid position is conserved. In addition, this alteration is predicted to be tolerated by in silico analysis. Since supporting evidence is limited at this time, the clinical significance of this alteration remains unclear.

NM_181882.3(PRX):c.1538C>T (p.Pro513Leu)

Gene: PRX (periaxin; minus strand). Cytogenetic location: 19q13.2.
Variant type: single nucleotide variant.
Coding change: c.1538C>T on transcript NM_181882.3 (MANE Select); coding-DNA position 1538, C replaced by T.
Protein change: p.Pro513Leu; replaces proline 513 with leucine.
Molecular consequence: missense variant. On other transcripts: 3 prime UTR variant (1).
Genome position (GRCh38, 1-based): chr19:40,396,814, G>A on the plus strand (C>T on the coding strand, the complement: PRX is on the minus strand). VCF-style: chr19-40396814-G-A. GRCh37 (hg19) VCF-style: chr19-40902721-G-A.
Other names: c.*1743C>T (NM_020956.2); short protein forms P513L.
Identifiers: ClinVar variation 570459 (VCV000570459.8), dbSNP rs148742209, ClinGen allele CA9444245.